The following is an entry in ClinVar:

ClinVar aggregate classification (germline): Uncertain significance (1 of 4 stars; one submission).

Submission:

CeGaT Center for Human Genetics Tuebingen
Classification: Uncertain significance. Last evaluated: 2026-01-01. Review status: criteria provided, single submitter. Criteria: CeGaT Center For Human Genetics Tuebingen Variant Classification Criteria Version 2. Collection method: clinical testing. Allele origin: germline. Affected: yes. Observed: 1 variant allele.
Comment: LMNB1: PM2, PS2:Supporting

NM_005573.4(LMNB1):c.1120A>G (p.Ile374Val)

Gene: LMNB1 (lamin B1; plus strand). Cytogenetic location: 5q23.2.
Variant type: single nucleotide variant.
Coding change: c.1120A>G on transcript NM_005573.4 (MANE Select); coding-DNA position 1120, A replaced by G.
Protein change: p.Ile374Val; replaces isoleucine 374 with valine.
Molecular consequence: missense variant. On other transcripts: non-coding transcript variant (2).
Genome position (GRCh38, 1-based): chr5:126,819,102, A>G. VCF-style: chr5-126819102-A-G. GRCh37 (hg19) VCF-style: chr5-126154794-A-G.
Other names: c.490A>G, p.Ile164Val (NM_001198557.2); short protein forms I164V, I374V.
Identifiers: ClinVar variation 4823224 (VCV004823224.4).